The following is an entry in ClinVar:

NM_024735.5(FBXO31):c.996+4A>G

Gene: FBXO31 (F-box protein 31; minus strand). Cytogenetic location: 16q24.2.
Variant type: single nucleotide variant.
Coding change: c.996+4A>G on transcript NM_024735.5 (MANE Select); 4 bases into the intron after coding-DNA position 996, A replaced by G.
Molecular consequence: intron variant.
Genome position (GRCh38, 1-based): chr16:87,335,300, T>C on the plus strand (A>G on the coding strand, the complement: FBXO31 is on the minus strand). VCF-style: chr16-87335300-T-C. GRCh37 (hg19) VCF-style: chr16-87368906-T-C.
Other names: c.480+4A>G (NM_001282683.2).
Identifiers: ClinVar variation 1029920 (VCV001029920.3), dbSNP rs765703905, ClinGen allele CA8219038.

ClinVar aggregate classification (germline): Uncertain significance. Review status: criteria provided, multiple submitters, no conflicts (2 of 4 stars). 3 submissions from 3 submitters: Uncertain significance (3). Last evaluated 2024-01-11.

Conditions:
Intellectual developmental disorder, autosomal recessive 45. Also called: Intellectual disability, autosomal recessive 45. Identifiers: Orphanet 88616, MedGen C4014864, MONDO:0014430, OMIM 615979.

Allele frequency attached by ClinVar (database versions not stated): ExAC 0.00001; TOPMed 0.00005; gnomAD 0.00007 and 0.00003; gnomAD exomes 0.00002.
gnomAD v4.1: 42 of 1,613,236 alleles (0.0026%); highest among the groups gnomAD compares: Middle Eastern, 0.43%; 3 homozygotes.

Submissions (3):

Blueprint Genetics
Classification: Uncertain significance. Last evaluated: 2024-01-11. Review status: criteria provided, single submitter. Criteria: ACMG Guidelines, 2015. Collection method: clinical testing. Allele origin: germline.

Baylor Genetics
Classification: Uncertain significance for Intellectual developmental disorder, autosomal recessive 45. Last evaluated: 2019-12-24. Review status: criteria provided, single submitter. Criteria: ACMG Guidelines, 2015. Collection method: clinical testing. Allele origin: unknown. Affected: yes.
Comment: This variant was determined to be of uncertain significance according to ACMG Guidelines, 2015 [PMID:25741868].

Breakthrough Genomics
Classification: Uncertain significance. Review status: criteria provided, single submitter. Criteria: ACMG Guidelines, 2015. Collection method: not provided. Allele origin: germline. Inheritance: Autosomal recessive inheritance. Affected: yes.